The following is an entry in ClinVar:

ClinVar aggregate classification (germline): Uncertain significance. Review status: criteria provided, multiple submitters, no conflicts (2 of 4 stars). 2 submissions from 2 submitters: Uncertain significance (2). Last evaluated 2023-12-09.

Conditions:
Hereditary cancer-predisposing syndrome. Also called: Tumor predisposition; Neoplastic Syndromes, Hereditary; Hereditary neoplastic syndrome; Hereditary Cancer Syndrome. Identifiers: Orphanet 140162, MedGen C0027672, MeSH D009386, MONDO:0015356.

Submissions (2):

Ambry Genetics
Classification: Uncertain significance for Hereditary cancer-predisposing syndrome. Last evaluated: 2023-12-09. Review status: criteria provided, single submitter. Criteria: Ambry Variant Classification Scheme 2023. Collection method: clinical testing. Allele origin: germline.
Comment: The p.T2398I variant (also known as c.7193C>T), located in coding exon 13 of the BRCA2 gene, results from a C to T substitution at nucleotide position 7193. The threonine at codon 2398 is replaced by isoleucine, an amino acid with similar properties. This amino acid position is not well conserved in available vertebrate species. In addition, this alteration is predicted to be tolerated by in silico analysis. Since supporting evidence is limited at this time, the clinical significance of this alteration remains unclear.

Color Diagnostics, LLC DBA Color Health
Classification: Uncertain significance for Hereditary cancer-predisposing syndrome. Last evaluated: 2019-04-26. Review status: criteria provided, single submitter. Criteria: ACMG Guidelines, 2015. Collection method: clinical testing. Allele origin: germline.

NM_000059.4(BRCA2):c.7193C>T (p.Thr2398Ile)

Gene: BRCA2 (BRCA2 DNA repair associated; plus strand). Cytogenetic location: 13q13.1.
Variant type: single nucleotide variant.
Coding change: c.7193C>T on transcript NM_000059.4 (MANE Select); coding-DNA position 7193, C replaced by T.
Protein change: p.Thr2398Ile; replaces threonine 2398 with isoleucine.
Molecular consequence: missense variant.
Genome position (GRCh38, 1-based): chr13:32,355,046, C>T. VCF-style: chr13-32355046-C-T. GRCh37 (hg19) VCF-style: chr13-32929183-C-T.
Other names: short protein forms T2398I.
Identifiers: ClinVar variation 631414 (VCV000631414.4), dbSNP rs80358947, ClinGen allele CA387739812.